The following is an entry in ClinVar:

ClinVar aggregate classification (germline): Likely benign. Review status: criteria provided, single submitter (1 of 4 stars). 2 submissions from 2 submitters: Likely benign (1). 1 of the submissions does not count toward it. Last evaluated 2025-10-01.

Conditions:
PCSK1-related disorder. Also called: PCSK1-related condition.

gnomAD v4.1: 3 of 1,613,810 alleles (0.00019%); highest among the groups gnomAD compares: African/African-American, 0.004%; no homozygotes.

Submissions (2):

Labcorp Genetics (formerly Invitae), Labcorp
Classification: Likely benign. Last evaluated: 2025-10-01. Review status: criteria provided, single submitter. Criteria: Invitae Variant Classification Sherloc (09022015). Collection method: clinical testing. Allele origin: germline.

PreventionGenetics, part of Exact Sciences
Classification: Likely benign for PCSK1-related condition. Last evaluated: 2023-03-31. Review status: no assertion criteria provided. Collection method: clinical testing. Allele origin: germline. Not counted in ClinVar's aggregate classification.
Comment: This variant is classified as likely benign based on ACMG/AMP sequence variant interpretation guidelines (Richards et al. 2015 PMID: 25741868, with internal and published modifications).

NM_000439.5(PCSK1):c.1782C>A (p.Thr594=)

Genes: CAST (calpastatin; plus strand), PCSK1 (proprotein convertase subtilisin/kexin type 1; minus strand), LOC101929710 (uncharacterized LOC101929710; plus strand). Cytogenetic location: 5q15.
Variant type: single nucleotide variant.
Coding change: c.1782C>A on transcript NM_000439.5 (MANE Select); coding-DNA position 1782, C replaced by A.
Protein change: p.Thr594=; no amino-acid change (threonine 594 retained).
Molecular consequence: synonymous variant. On other transcripts: intron variant (11).
Genome position (GRCh38, 1-based): chr5:96,394,966, G>T on the plus strand (C>A on the coding strand, the complement: PCSK1 is on the minus strand). VCF-style: chr5-96394966-G-T. GRCh37 (hg19) VCF-style: chr5-95730670-G-T.
Other names: c.1641C>A, p.Thr547= (NM_001177875.2); c.-175+15314G>T (NM_001423254.1, NM_001423259.1, NM_001423255.1 and 6 more transcripts); c.-103+15314G>T (NM_001423253.1); c.-40+15314G>T (NM_001423258.1).
Identifiers: ClinVar variation 3353788 (VCV003353788.1).
Genomic context (GRCh38, chr5:96,394,966, plus strand): 5'-CTGAACAGTGTTGTAGGACGTGTACACACGAGGCTGCTTCATATGCTCTGGCTGAGAAGA[G>T]GTCCCGTGCAAAATCAGCTTCCAGTTCACAATTCTTCCTTCATTTTGAATTCTTCCAGAC-3'
Protein context (NP_000430.3, residues 584-604): IVNWKLILHG[Thr594=]SSQPEHMKQP